The following is an entry in ClinVar:

NM_005529.7(HSPG2):c.11206C>T (p.Arg3736Trp)

Gene: HSPG2 (heparan sulfate proteoglycan 2; minus strand). Cytogenetic location: 1p36.12.
Variant type: single nucleotide variant.
Coding change: c.11206C>T on transcript NM_005529.7 (MANE Select); coding-DNA position 11206, C replaced by T.
Protein change: p.Arg3736Trp; replaces arginine 3736 with tryptophan.
Molecular consequence: missense variant.
Genome position (GRCh38, 1-based): chr1:21,832,496, G>A on the plus strand (C>T on the coding strand, the complement: HSPG2 is on the minus strand). VCF-style: chr1-21832496-G-A. GRCh37 (hg19) VCF-style: chr1-22158989-G-A.
Other names: c.11209C>T, p.Arg3737Trp (NM_001291860.2); c.11206C>T (NM_005529.5); short protein forms R3736W, R3737W.
Identifiers: ClinVar variation 811721 (VCV000811721.13), dbSNP rs114342311, ClinGen allele CA669888.
Genomic context (GRCh38, chr1:21,832,496, plus strand): 5'-TTGCCAGACCAAAGCCCTGTGTCCAGTCCCCCTGTAGGTGGGGAGGCTGGGGGTCTCACC[G>A]GAACTCGGGCCTTCCCCCCACGAGGCCGAAGGAGATGAAGTCGGGCTGCCGGTTGGCCAG-3'
Protein context (NP_005520.4, residues 3726-3746): FGLVGGRPEF[Arg3736Trp]FDAGSGMATI

ClinVar aggregate classification (germline): Uncertain significance. Review status: criteria provided, multiple submitters, no conflicts (2 of 4 stars). 4 submissions from 4 submitters: Uncertain significance (3). 1 of the submissions does not count toward it. Last evaluated 2026-04-22.

Conditions:
Microcephaly. Also called: Microcephaly (disease). Identifiers: MedGen C4551563, MONDO:0001149, HP:0000252.

Allele frequency attached by ClinVar (database versions not stated): gnomAD exomes 0.00004 and 0.00002; 1000 Genomes Project 30x 0.00016; 1000 Genomes Project 0.00020; ExAC 0.00006; gnomAD 0.00009; TOPMed 0.00011; ESP Exome Variant Server 0.00008.
gnomAD v4.1: 41 of 1,613,740 alleles (0.0025%); highest among the groups gnomAD compares: African/African-American, 0.031%; no homozygotes.

Submissions (4):

GeneDx
Classification: Uncertain significance. Last evaluated: 2026-04-22. Review status: criteria provided, single submitter. Criteria: GeneDx Variant Classification Process June 2021. Collection method: clinical testing. Allele origin: germline.
Comment: In silico analysis supports that this missense variant has a deleterious effect on protein structure/function; Has not been previously published as pathogenic or benign to our knowledge

Revvity Omics, Revvity
Classification: Uncertain significance. Last evaluated: 2019-11-15. Review status: criteria provided, single submitter. Criteria: ACMG Guidelines, 2015. Collection method: clinical testing. Allele origin: germline.

ARUP Laboratories, Molecular Genetics and Genomics, ARUP Laboratories
Classification: Uncertain significance. Last evaluated: 2018-08-06. Review status: criteria provided, single submitter. Criteria: ARUP Molecular Germline Variant Investigation Process. Collection method: clinical testing. Allele origin: germline.
Comment: The HSPG2 c.11206C>T; p.Arg3736Trp variant (rs114342311), to our knowledge, is not reported in the medical literature or gene specific databases. This variant is found in the general population with an overall allele frequency of 0.004% (10/246040 alleles) in the Genome Aggregation Database. The arginine at codon 3736 is moderately conserved, and computational analyses (SIFT, PolyPhen-2) predict that this variant is deleterious. However, due to limited information, the clinical significance of the p.Arg3736Trp variant is uncertain at this time.

Department of Pediatrics, Samsung Medical Center, Samsung Medical Center
Classification: Uncertain significance for Microcephaly. Review status: no assertion criteria provided. Criteria: ACMG Guidelines, 2015. Collection method: research. Allele origin: germline. Affected: yes. Not counted in ClinVar's aggregate classification.